The following is an entry in ClinVar:

ClinVar aggregate classification (germline): Uncertain significance (1 of 4 stars; one submission).

Conditions:
Fanconi anemia complementation group J. Also called: BRIP1-Related Fanconi Anemia. Identifiers: Orphanet 84, MedGen C1836860, MONDO:0012187, OMIM 609054.
Familial cancer of breast. Also called: BREAST CANCER, FAMILIAL; Hereditary breast cancer; hereditary breast carcinoma. Identifiers: Orphanet 227535, MedGen C0346153, MONDO:0016419, OMIM 114480. Disease mechanism: loss of function.

gnomAD v4.1: 1 of 1,612,878 alleles (0.000062%); no homozygotes.

Submission:

Labcorp Genetics (formerly Invitae), Labcorp
Classification: Uncertain significance for Familial cancer of breast; Fanconi anemia complementation group J. Last evaluated: 2024-02-12. Review status: criteria provided, single submitter. Criteria: Invitae Variant Classification Sherloc (09022015). Collection method: clinical testing. Allele origin: germline.
Comment: This sequence change replaces cysteine, which is neutral and slightly polar, with tyrosine, which is neutral and polar, at codon 442 of the BRIP1 protein (p.Cys442Tyr). This variant is not present in population databases (gnomAD no frequency). This variant has not been reported in the literature in individuals affected with BRIP1-related conditions. Advanced modeling of protein sequence and biophysical properties (such as structural, functional, and spatial information, amino acid conservation, physicochemical variation, residue mobility, and thermodynamic stability) performed at Invitae indicates that this missense variant is expected to disrupt BRIP1 protein function with a positive predictive value of 80%. In summary, the available evidence is currently insufficient to determine the role of this variant in disease. Therefore, it has been classified as a Variant of Uncertain Significance.

NM_032043.3(BRIP1):c.1325G>A (p.Cys442Tyr)

Gene: BRIP1 (BRCA1 interacting DNA helicase 1; minus strand). Cytogenetic location: 17q23.2.
Variant type: single nucleotide variant.
Coding change: c.1325G>A on transcript NM_032043.3 (MANE Select); coding-DNA position 1325, G replaced by A.
Protein change: p.Cys442Tyr; replaces cysteine 442 with tyrosine.
Molecular consequence: missense variant.
Genome position (GRCh38, 1-based): chr17:61,799,115, C>T on the plus strand (G>A on the coding strand, the complement: BRIP1 is on the minus strand). VCF-style: chr17-61799115-C-T. GRCh37 (hg19) VCF-style: chr17-59876476-C-T.
Other names: short protein forms C442Y.
Identifiers: ClinVar variation 3754593 (VCV003754593.2).